The following is an entry in ClinVar:

GRCh38/hg38 17p11.2(chr17:17048995-18400908)x1

Genes: ALKBH5 (alkB homolog 5, RNA demethylase; plus strand), ATPAF2 (ATP synthase mitochondrial F1 complex assembly factor 2; minus strand), COPS3 (COP9 signalosome subunit 3; minus strand), DRC3 (dynein regulatory complex subunit 3; plus strand), DRG2 (developmentally regulated GTP binding protein 2; plus strand) and 114 more. Cytogenetic location: 17p11.2.
Variant type: copy number loss.
Change: copy number 1 (one copy instead of two) of chr17:17,048,995-18,400,908 (1.35 Mb, GRCh38 coordinates, 1-based), cytogenetic band 17p11.2.
Identifiers: ClinVar variation 4796203 (VCV004796203.1).

ClinVar aggregate classification (germline): Pathogenic (1 of 4 stars; one submission).

Submission:

Medical Genetic Center, Changzhi Maternal and Child Health Care Hospital
Classification: Pathogenic. Last evaluated: 2025-12-10. Review status: criteria provided, single submitter. Criteria: ACMG/ClinGen CNV Guidelines, 2019. Collection method: clinical testing. Allele origin: unknown.
Comment: 2A:17p11.2 recurrent (SMS/PLS) region (includes RAI1),FLCN,RAI1